The following is an entry in ClinVar:

NM_005159.5(ACTC1):c.882C>A (p.Asp294Glu)

Genes: GJD2-DT (GJD2 divergent transcript; plus strand), ACTC1 (actin alpha cardiac muscle 1; minus strand). Cytogenetic location: 15q14.
Variant type: single nucleotide variant.
Coding change: c.882C>A on transcript NM_005159.5 (MANE Select); coding-DNA position 882, C replaced by A.
Protein change: p.Asp294Glu; replaces aspartic acid 294 with glutamic acid.
Molecular consequence: missense variant.
Genome position (GRCh38, 1-based): chr15:34,791,222, G>T on the plus strand (C>A on the coding strand, the complement: ACTC1 is on the minus strand). VCF-style: chr15-34791222-G-T. GRCh37 (hg19) VCF-style: chr15-35083423-G-T.
Other names: c.882C>A, p.Asp294Glu (NM_001406482.1, NM_001406483.1); c.747C>A, p.Asp249Glu (NM_001406484.1); c.441C>A, p.Asp147Glu (NM_001406485.1); short protein forms D249E, D147E, D294E.
Identifiers: ClinVar variation 4783294 (VCV004783294.1).
Genomic context (GRCh38, chr15:34,791,222, plus strand): 5'-ACGATCAGCAATACCAGGGTACATAGTGGTGCCTCCAGATAAGACATTGTTGGCATACAG[G>T]TCCTTGCGGATATCAATGTCACACTTCATGATGCTATTGTAAGTTGTTTCATGGATGCCA-3'
Protein context (NP_005150.1, residues 284-304): IMKCDIDIRK[Asp294Glu]LYANNVLSGG

ClinVar aggregate classification (germline): Uncertain significance (1 of 4 stars; one submission).

Conditions:
Dilated cardiomyopathy 1R (CMD1R). Identifiers: Orphanet 154, Orphanet 54260, MedGen C3150681, MONDO:0013261, OMIM 613424.
Atrial septal defect 5 (ASD5). Identifiers: Orphanet 1478, MedGen C2748552, MONDO:0013011, OMIM 612794.
Hypertrophic cardiomyopathy 11. Also called: ACTC1-Related Familial Hypertrophic Cardiomyopathy. Identifiers: MedGen C2677506, MONDO:0012799, OMIM 612098.

Submission:

Labcorp Genetics (formerly Invitae), Labcorp
Classification: Uncertain significance for Dilated cardiomyopathy 1R; Hypertrophic cardiomyopathy 11; Atrial septal defect 5. Last evaluated: 2025-11-25. Review status: criteria provided, single submitter. Criteria: Invitae Variant Classification Sherloc (09022015). Collection method: clinical testing. Allele origin: germline.
Comment: This sequence change replaces aspartic acid, which is acidic and polar, with glutamic acid, which is acidic and polar, at codon 294 of the ACTC1 protein (p.Asp294Glu). This variant is not present in population databases (gnomAD no frequency). This variant has not been reported in the literature in individuals affected with ACTC1-related conditions. Invitae Evidence Modeling of protein sequence and biophysical properties (such as structural, functional, and spatial information, amino acid conservation, physicochemical variation, residue mobility, and thermodynamic stability) indicates that this missense variant is not expected to disrupt ACTC1 protein function with a negative predictive value of 80%. In summary, the available evidence is currently insufficient to determine the role of this variant in disease. Therefore, it has been classified as a Variant of Uncertain Significance.